The following is an entry in ClinVar:

NM_001943.5(DSG2):c.1320G>A (p.Val440=)

Gene: DSG2 (desmoglein 2; plus strand). Cytogenetic location: 18q12.1.
Variant type: single nucleotide variant.
Coding change: c.1320G>A on transcript NM_001943.5 (MANE Select); coding-DNA position 1320, G replaced by A.
Protein change: p.Val440=; no amino-acid change (valine 440 retained).
Molecular consequence: synonymous variant.
Genome position (GRCh38, 1-based): chr18:31,535,309, G>A. VCF-style: chr18-31535309-G-A. GRCh37 (hg19) VCF-style: chr18-29115272-G-A.
Identifiers: ClinVar variation 3070879 (VCV003070879.2), dbSNP rs2510917271, ClinGen allele CA503600495.
Genomic context (GRCh38, chr18:31,535,309, plus strand): 5'-TTTATGTTTGTTTTATGACAGATATGTAAAATTAGAAGATAGAGATAATTGGATCTCTGT[G>A]GATTCTGTCACATCTGAAATTAAACTTGCAAAACTTCCTGATTTTGAATCTAGATATGTT-3'
Protein context (NP_001934.2, residues 430-450): KLEDRDNWIS[Val440=]DSVTSEIKLA

ClinVar aggregate classification (germline): Conflicting classifications of pathogenicity. Review status: criteria provided, conflicting classifications (1 of 4 stars). 2 submissions from 2 submitters: Uncertain significance (1); Likely benign (1). Last evaluated 2025-12-23.

Conditions:
Arrhythmogenic right ventricular dysplasia 10. Also called: ARRHYTHMOGENIC RIGHT VENTRICULAR DYSPLASIA, FAMILIAL, 10; Arrhythmogenic Right Ventricular Dysplasia/Cardiomyopathy10; Arrhythmogenic right ventricular dysplasia/cardiomyopathy, type 10. Identifiers: MedGen C1857777, MONDO:0012434, OMIM 610193.
Arrhythmogenic right ventricular cardiomyopathy (ARVD). Also called: Arrhythmogenic right ventricular dysplasia; Cardiomyopathy, ARVC; Arrhythmogenic cardiomyopathy; Arrhythmogenic Right Ventricular Cardiomyopathy (ARVC). Identifiers: Orphanet 247, MedGen C0349788, MeSH D019571, MONDO:0016587. Disease mechanism: loss of function. Inheritance: Various modes of inheritance.

Submissions (2):

Labcorp Genetics (formerly Invitae), Labcorp
Classification: Likely benign for Arrhythmogenic right ventricular dysplasia 10. Last evaluated: 2025-12-23. Review status: criteria provided, single submitter. Criteria: Invitae Variant Classification Sherloc (09022015). Collection method: clinical testing. Allele origin: germline.

All of Us Research Program, National Institutes of Health
Classification: Uncertain significance for Arrhythmogenic right ventricular cardiomyopathy. Last evaluated: 2023-05-04. Review status: criteria provided, single submitter. Criteria: ACMG Guidelines, 2015. Collection method: clinical testing. Allele origin: germline. Inheritance: Autosomal dominant inheritance. Observed: 1 variant allele, 1 heterozygote.
Comment: This variant is located in the DSG2 protein. To our knowledge, functional studies have not been reported for this variant. This variant has not been reported in individuals affected with DSG2-related disorders in the literature. This variant has not been identified in the general population by the Genome Aggregation Database (gnomAD). The available evidence is insufficient to determine the role of this variant in disease conclusively. Therefore, this variant is classified as a Variant of Uncertain Significance.

This study involves interpretation of variants in research participants for the purpose of population health screening. Participant phenotype was not available at the time of variant classification. Additional details can be found in publication PMID: 35346344, PMCID: PMC8962531